The following is an entry in ClinVar:

NM_032447.5(FBN3):c.8252G>C (p.Arg2751Pro)

Gene: FBN3 (fibrillin 3; minus strand). Cytogenetic location: 19p13.2.
Variant type: single nucleotide variant.
Coding change: c.8252G>C on transcript NM_032447.5 (MANE Select); coding-DNA position 8252, G replaced by C.
Protein change: p.Arg2751Pro; replaces arginine 2751 with proline.
Molecular consequence: missense variant.
Genome position (GRCh38, 1-based): chr19:8,066,097, C>G on the plus strand (G>C on the coding strand, the complement: FBN3 is on the minus strand). VCF-style: chr19-8066097-C-G. GRCh37 (hg19) VCF-style: chr19-8130981-C-G.
Other names: c.8252G>C, p.Arg2751Pro (NM_001321431.2); c.8252G>C (NM_032447.3); short protein forms R2751P.
Identifiers: ClinVar variation 1957381 (VCV001957381.6), dbSNP rs764446097, ClinGen allele CA9150581.

ClinVar aggregate classification (germline): Uncertain significance. Review status: criteria provided, multiple submitters, no conflicts (2 of 4 stars). 2 submissions from 2 submitters: Uncertain significance (2). Last evaluated 2023-12-20.

gnomAD v4.1: 18 of 1,613,514 alleles (0.0011%); highest among the groups gnomAD compares: Non-Finnish European, 0.0015%; no homozygotes.

Submissions (2):

Ambry Genetics
Classification: Uncertain significance. Last evaluated: 2023-12-20. Review status: criteria provided, single submitter. Criteria: Ambry Variant Classification Scheme 2023. Collection method: clinical testing. Allele origin: germline.

Labcorp Genetics (formerly Invitae), Labcorp
Classification: Uncertain significance. Last evaluated: 2022-03-25. Review status: criteria provided, single submitter. Criteria: Invitae Variant Classification Sherloc (09022015). Collection method: clinical testing. Allele origin: germline.
Comment: In summary, the available evidence is currently insufficient to determine the role of this variant in disease. Therefore, it has been classified as a Variant of Uncertain Significance. Algorithms developed to predict the effect of missense changes on protein structure and function are either unavailable or do not agree on the potential impact of this missense change (SIFT: "Not Available"; PolyPhen-2: "Probably Damaging"; Align-GVGD: "Not Available"). This variant has not been reported in the literature in individuals affected with FBN3-related conditions. This variant is present in population databases (rs764446097, gnomAD 0.002%). This sequence change replaces arginine, which is basic and polar, with proline, which is neutral and non-polar, at codon 2751 of the FBN3 protein (p.Arg2751Pro).